The following is an entry in ClinVar:

GRCh38/hg38 1q44(chr1:247421061-248476185)x3

Genes: GCSAML (germinal center associated signaling and motility like; plus strand), GCSAML-AS1 (GCSAML antisense RNA 1; minus strand), NLRP3 (NLR family pyrin domain containing 3; plus strand), OR11L1 (olfactory receptor family 11 subfamily L member 1; minus strand), OR13G1 (olfactory receptor family 13 subfamily G member 1; minus strand) and 45 more. Cytogenetic location: 1q44.
Variant type: copy number gain.
Change: copy number 3 (three copies instead of two) of chr1:247,421,061-248,476,185 (1.06 Mb, GRCh38 coordinates, 1-based), cytogenetic band 1q44.
Identifiers: ClinVar variation 4796083 (VCV004796083.1).

ClinVar aggregate classification (germline): Uncertain significance (1 of 4 stars; one submission).

Submission:

Medical Genetic Center, Changzhi Maternal and Child Health Care Hospital
Classification: Uncertain significance. Last evaluated: 2025-12-10. Review status: criteria provided, single submitter. Criteria: ACMG/ClinGen CNV Guidelines, 2019. Collection method: clinical testing. Allele origin: unknown.
Comment: 1A, NLRP3 partial duplication (NM_004895.5, exon 3-10)